The following is an entry in ClinVar:

NM_006941.4(SOX10):c.141del (p.Pro48fs)

Genes: POLR2F (RNA polymerase II, I and III subunit F; plus strand), SOX10 (SRY-box transcription factor 10; minus strand). Cytogenetic location: 22q13.1.
Variant type: Deletion.
Coding change: c.141del on transcript NM_006941.4 (MANE Select); coding-DNA position 141, one base deleted (G; older notation c.141delG).
Protein change: p.Pro48fs; shifts the reading frame from proline 48.
Molecular consequence: frameshift variant. On other transcripts: intron variant (3).
Genome position (GRCh38, 1-based): chr22:37,983,644, C deleted on the plus strand (G on the coding strand, the reverse complement: SOX10 is on the minus strand); the first of 4 consecutive C bases (chr22:37,983,644-37,983,647); deleting any one gives the same sequence. VCF-style (leftmost placement, unchanged base first): chr22-37983643-GC-G. GRCh37 (hg19) VCF-style: chr22-38379650-GC-G.
Other names: c.*38+11337del (NM_001363825.1); c.294-2507del (NM_001301130.2); c.293+16477del (NM_001301131.2); c.141delG (NM_006941.3); short protein forms P48fs.
Identifiers: ClinVar variation 422859 (VCV000422859.4), dbSNP rs1064796049, ClinGen allele CA16621119.
Genomic context (GRCh38, chr22:37,983,643, plus strand): 5'-ACTTGTCATCGTCCGCCTCGCCGTCCTGCTGCTCCTTCTTGACCTTGCCCAGCTCGCCTG[GC>G]CCCGGGCTGGCTCGCAGGCCCGATCCGCCGCCGCCGCCGTCGGGCCCTAGCGAGGGCGCG-3'

ClinVar aggregate classification (germline): Pathogenic/Likely pathogenic. Review status: criteria provided, multiple submitters, no conflicts (2 of 4 stars). 2 submissions from 2 submitters: Pathogenic (1); Likely pathogenic (1). Last evaluated 2016-12-06.

Conditions:
Waardenburg syndrome type 4C (WS4C). Also called: WAARDENBURG SYNDROME WITH HIRSCHSPRUNG DISEASE, TYPE 4C. Identifiers: Orphanet 897, MedGen C2750452, MONDO:0013202, OMIM 613266.

Submissions (2):

GeneDx
Classification: Pathogenic. Last evaluated: 2016-12-06. Review status: criteria provided, single submitter. Criteria: GeneDx Variant Classification (06012015). Collection method: clinical testing. Allele origin: germline. Affected: yes.
Comment: The c.141delG variant in the SOX10 gene has has not been reported previously as a pathogenic variant nor as a benign variant, to our knowledge. The c.141delG variant causes a frameshift starting with codon Proline 48, changes this amino acid to a Glutamine residue, and creates a premature Stop codon at position 61 of the new reading frame, denoted p.Pro48GlnfsX61. This variant is predicted to cause loss of normal protein function either through protein truncation or nonsense-mediated mRNA decay. The c.141delG variant was not observed in approximately 6500 individuals of European and African American ancestry in the NHLBI Exome Sequencing Project, indicating it is not a common benign variant in these populations. We interpret c.141delG as a pathogenic variant

Center for Human Genetics, Inc
Classification: Likely pathogenic for Waardenburg syndrome type 4C. Last evaluated: 2016-11-01. Review status: criteria provided, single submitter. Criteria: ACMG Guidelines, 2015. Collection method: clinical testing. Allele origin: germline. Affected: yes.